The following is an entry in ClinVar:

NM_001723.7(DST):c.157G>A (p.Asp53Asn)

Gene: DST (dystonin; minus strand). Cytogenetic location: 6p12.1.
Variant type: single nucleotide variant.
Coding change: c.157G>A on transcript NM_001723.7 (MANE Plus Clinical); coding-DNA position 157, G replaced by A.
Protein change: p.Asp53Asn; replaces aspartic acid 53 with asparagine.
Molecular consequence: missense variant. On other transcripts: intron variant (9).
Genome position (GRCh38, 1-based): chr6:56,642,632, C>T on the plus strand (G>A on the coding strand, the complement: DST is on the minus strand). VCF-style: chr6-56642632-C-T. GRCh37 (hg19) VCF-style: chr6-56507430-C-T.
Other names: c.157G>A, p.Asp53Asn (NM_015548.5); c.1680-129G>A (NM_001144769.5); c.1779-129G>A (NM_001374722.1, NM_001374736.1); c.1806-129G>A (NM_001374734.1); c.1266-129G>A (NM_001144770.2); c.1146-129G>A (NM_001374730.1, NM_001386100.1, NM_183380.4 and 1 more transcripts); short protein forms D53N.
Identifiers: ClinVar variation 4689262 (VCV004689262.1).
Genomic context (GRCh38, chr6:56,642,632, plus strand): 5'-GTGCTGCCCATCAAAAAGTAAAACACAATCCCACACCAATGATTCAATACCTGTGTCCAT[C>T]AAAGGATTCACTGCCGAAGCTAATGCAAGAGTTGATCAGTGTTGGACCACAATGAACCAA-3'
Protein context (NP_001714.1, residues 43-63): SCISFGSESF[Asp53Asn]GHRLEMLQQI

ClinVar aggregate classification (germline): Uncertain significance (1 of 4 stars; one submission).

gnomAD v4.1: 2 of 1,614,120 alleles (0.00012%); highest among the groups gnomAD compares: Non-Finnish European, 0.00017%; no homozygotes.

Submission:

Women's Health and Genetics/Laboratory Corporation of America, LabCorp
Classification: Uncertain significance. Last evaluated: 2026-01-19. Review status: criteria provided, single submitter. Criteria: LabCorp Variant Classification Summary - May 2015. Collection method: clinical testing. Allele origin: germline.
Comment: Variant summary: DST c.157G>A (p.Asp53Asn) results in a conservative amino acid change in the encoded protein sequence. Algorithms developed to predict the effect of missense changes on protein structure and function are either unavailable or do not agree on the potential impact of this missense change. The variant was absent in 251120 control chromosomes. The available data on variant occurrences in the general population are insufficient to allow any conclusion about variant significance. To our knowledge, no occurrence of c.157G>A in individuals affected with DST-related conditions and no experimental evidence demonstrating its impact on protein function have been reported. No submitters have cited clinical-significance assessments for this variant to ClinVar. Based on the evidence outlined above, the variant was classified as uncertain significance.